The following is an entry in ClinVar:

ClinVar aggregate classification (germline): Uncertain significance. Review status: criteria provided, multiple submitters, no conflicts (2 of 4 stars). 3 submissions from 3 submitters: Uncertain significance (3). Last evaluated 2024-08-27.

Conditions:
Microcephaly 5, primary, autosomal recessive (MCPH5). Also called: ASPM Primary Microcephaly. Identifiers: Orphanet 2512, MedGen C1837501, MONDO:0012106, OMIM 608716.
Inborn genetic diseases. Identifiers: MedGen C0950123, MeSH D030342.

Submissions (3):

Ambry Genetics
Classification: Uncertain significance for Inborn genetic diseases. Last evaluated: 2024-08-27. Review status: criteria provided, single submitter. Criteria: Ambry Variant Classification Scheme 2023. Collection method: clinical testing. Allele origin: germline.
Comment: The c.7891_7893delATT (p.I2631del) alteration is located in exon 18 (coding exon 18) of the ASPM gene. This alteration consists of an in-frame deletion of 3 nucleotides between nucleotide positions c.7891 and c.7893, resulting in the deletion of 1 residue. Based on insufficient or conflicting evidence, the clinical significance of this alteration remains unclear.

Genome-Nilou Lab
Classification: Uncertain significance for Microcephaly 5, primary, autosomal recessive. Last evaluated: 2023-04-11. Review status: criteria provided, single submitter. Criteria: ACMG Guidelines, 2015. Collection method: clinical testing. Allele origin: germline. Affected: no.

Labcorp Genetics (formerly Invitae), Labcorp
Classification: Uncertain significance. Last evaluated: 2022-08-20. Review status: criteria provided, single submitter. Criteria: Invitae Variant Classification Sherloc (09022015). Collection method: clinical testing. Allele origin: germline.
Comment: This variant, c.7891_7893del, results in the deletion of 1 amino acid(s) of the ASPM protein (p.Ile2631del), but otherwise preserves the integrity of the reading frame. This variant is present in population databases (rs760602890, gnomAD 0.04%). This variant has not been reported in the literature in individuals affected with ASPM-related conditions. Experimental studies and prediction algorithms are not available or were not evaluated, and the functional significance of this variant is currently unknown. In summary, the available evidence is currently insufficient to determine the role of this variant in disease. Therefore, it has been classified as a Variant of Uncertain Significance.

NM_018136.5(ASPM):c.7885ATT[2] (p.Ile2631del)

Gene: ASPM (assembly factor for spindle microtubules; minus strand). Cytogenetic location: 1q31.3.
Variant type: Microsatellite.
Coding change: c.7885ATT[2] on transcript NM_018136.5 (MANE Select); two copies in a row of the 3-base unit ATT starting at c.7885; the reference has three copies in a row; one copy, 3 bases deleted.
Protein change: p.Ile2631del; deletes isoleucine 2631.
Molecular consequence: inframe deletion. On other transcripts: intron variant (1).
Genome position (GRCh38, 1-based): chr1:197,101,358-197,101,360, AAT deleted on the plus strand (ATT on the coding strand, the reverse complement: ASPM is on the minus strand); deleting any 3 consecutive bases within chr1:197,101,358-197,101,366 gives the same sequence; the position shown is the placement nearest the transcript's 3' end. VCF-style (leftmost placement, unchanged base first): chr1-197101357-GAAT-G. GRCh37 (hg19) VCF-style: chr1-197070487-GAAT-G.
Other names: c.4066-5202ATT[2] (NM_001206846.2); short protein forms I2631del.
Identifiers: ClinVar variation 1958054 (VCV001958054.5), dbSNP rs760602890, ClinGen allele CA1309320.